The following is an entry in ClinVar:

ClinVar aggregate classification (germline): Uncertain significance (1 of 4 stars; one submission).

Submission:

Labcorp Genetics (formerly Invitae), Labcorp
Classification: Uncertain significance. Last evaluated: 2025-10-07. Review status: criteria provided, single submitter. Criteria: Invitae Variant Classification Sherloc (09022015). Collection method: clinical testing. Allele origin: germline.
Comment: This sequence change replaces alanine, which is neutral and non-polar, with threonine, which is neutral and polar, at codon 949 of the COL4A2 protein (p.Ala949Thr). This variant is not present in population databases (gnomAD no frequency). This variant has not been reported in the literature in individuals affected with COL4A2-related conditions. Invitae Evidence Modeling of protein sequence and biophysical properties (such as structural, functional, and spatial information, amino acid conservation, physicochemical variation, residue mobility, and thermodynamic stability) indicates that this missense variant is not expected to disrupt COL4A2 protein function with a negative predictive value of 95%. In summary, the available evidence is currently insufficient to determine the role of this variant in disease. Therefore, it has been classified as a Variant of Uncertain Significance.

NM_001846.4(COL4A2):c.2845G>A (p.Ala949Thr)

Gene: COL4A2 (collagen type IV alpha 2 chain; plus strand). Cytogenetic location: 13q34.
Variant type: single nucleotide variant.
Coding change: c.2845G>A on transcript NM_001846.4 (MANE Select); coding-DNA position 2845, G replaced by A.
Protein change: p.Ala949Thr; replaces alanine 949 with threonine.
Molecular consequence: missense variant.
Genome position (GRCh38, 1-based): chr13:110,482,602, G>A. VCF-style: chr13-110482602-G-A. GRCh37 (hg19) VCF-style: chr13-111134949-G-A.
Other names: short protein forms A949T.
Identifiers: ClinVar variation 4766906 (VCV004766906.1).